The following is an entry in ClinVar:

ClinVar aggregate classification (germline): Likely benign (0 of 4 stars; one submission).

Conditions:
CADPS-related disorder. Also called: CADPS-related condition.

Submission:

PreventionGenetics, part of Exact Sciences
Classification: Likely benign for CADPS-related condition. Last evaluated: 2019-09-17. Review status: no assertion criteria provided. Collection method: clinical testing. Allele origin: germline.
Comment: This variant is classified as likely benign based on ACMG/AMP sequence variant interpretation guidelines (Richards et al. 2015 PMID: 25741868, with internal and published modifications).

NM_003716.4(CADPS):c.786A>C (p.Ala262=)

Gene: CADPS (calcium dependent secretion activator; minus strand). Cytogenetic location: 3p14.2.
Variant type: single nucleotide variant.
Coding change: c.786A>C on transcript NM_003716.4 (MANE Select); coding-DNA position 786, A replaced by C.
Protein change: p.Ala262=; no amino-acid change (alanine 262 retained).
Molecular consequence: synonymous variant.
Genome position (GRCh38, 1-based): chr3:62,753,543, T>G on the plus strand (A>C on the coding strand, the complement: CADPS is on the minus strand). VCF-style: chr3-62753543-T-G. GRCh37 (hg19) VCF-style: chr3-62739218-T-G.
Other names: c.786A>C, p.Ala262= (NM_183393.3, NM_183394.3).
Identifiers: ClinVar variation 3040864 (VCV003040864.2), dbSNP rs2487231882, ClinGen allele CA434137510.